The following is an entry in ClinVar:

NM_000371.4(TTR):c.267C>T (p.Tyr89=)

Gene: TTR (transthyretin; plus strand). Cytogenetic location: 18q12.1.
Variant type: single nucleotide variant.
Coding change: c.267C>T on transcript NM_000371.4 (MANE Select); coding-DNA position 267, C replaced by T.
Protein change: p.Tyr89=; no amino-acid change (tyrosine 89 retained).
Molecular consequence: synonymous variant.
Genome position (GRCh38, 1-based): chr18:31,595,186, C>T. VCF-style: chr18-31595186-C-T. GRCh37 (hg19) VCF-style: chr18-29175149-C-T.
Identifiers: ClinVar variation 378834 (VCV000378834.18), dbSNP rs757950308, ClinGen allele CA8928446.

ClinVar aggregate classification (germline): Likely benign. Review status: criteria provided, multiple submitters, no conflicts (2 of 4 stars). 5 submissions from 5 submitters: Likely benign (5). Last evaluated 2026-05-15.

Conditions:
Cardiovascular phenotype. Identifiers: MedGen CN230736.
Amyloidosis, hereditary systemic 1 (AMYLD1). Also called: Hereditary oculoleptomeningeal amyloid angiopathy; Familial Transthyretin Amyloidosis; AMYLOID CARDIOMYOPATHY; Familial amyloid polyneuropathy; Transthyretin Amyloidosis; Isolated Cardiac Amyloidosis. Identifiers: Orphanet 85447, Orphanet 85451, MedGen C2751492, MONDO:0971004, OMIM 105210.

Allele frequency attached by ClinVar (database versions not stated): gnomAD 0.00001; gnomAD exomes 0.00002 and 0.00003; TOPMed 0.00002; ExAC 0.00004.

Submissions (5):

Women's Health and Genetics/Laboratory Corporation of America, LabCorp
Classification: Likely benign. Last evaluated: 2026-05-15. Review status: criteria provided, single submitter. Criteria: LabCorp Variant Classification Summary - May 2015. Collection method: clinical testing. Allele origin: germline.

Labcorp Genetics (formerly Invitae), Labcorp
Classification: Likely benign for Amyloidosis, hereditary systemic 1. Last evaluated: 2025-11-25. Review status: criteria provided, single submitter. Criteria: Invitae Variant Classification Sherloc (09022015). Collection method: clinical testing. Allele origin: germline.

Ambry Genetics
Classification: Likely benign for Cardiovascular phenotype. Last evaluated: 2022-03-29. Review status: criteria provided, single submitter. Criteria: Ambry Variant Classification Scheme 2023. Collection method: clinical testing. Allele origin: germline.

GeneDx
Classification: Likely benign. Last evaluated: 2020-12-21. Review status: criteria provided, single submitter. Criteria: GeneDx Variant Classification Process June 2021. Collection method: clinical testing. Allele origin: germline. Affected: yes.

Illumina Laboratory Services, Illumina
Classification: Likely benign for Amyloidosis, hereditary systemic 1. Last evaluated: 2018-01-13. Review status: criteria provided, single submitter. Criteria: ICSL Variant Classification Criteria 13 December 2019. Collection method: clinical testing. Allele origin: germline.
Comment: This variant was observed in the ICSL laboratory as part of a predisposition screen in an ostensibly healthy population. It had not been previously curated by ICSL or reported in the Human Gene Mutation Database (HGMD: prior to June 1st, 2018), and was therefore a candidate for classification through an automated scoring system. Utilizing variant allele frequency, disease prevalence and penetrance estimates, and inheritance mode, an automated score was calculated to assess if this variant is too frequent to cause the disease. Based on the score and internal cut-off values, a variant classified as likely benign is not then subjected to further curation. The score for this variant resulted in a classification of likely benign for this disease.